The following is an entry in ClinVar:

ClinVar aggregate classification (germline): Uncertain significance. Review status: criteria provided, multiple submitters, no conflicts (2 of 4 stars). 3 submissions from 3 submitters: Uncertain significance (3). Last evaluated 2025-01-08.

Conditions:
Thrombocytopenia 2 (THC2). Also called: ANKRD26-Related Thrombocytopenia. Identifiers: Orphanet 268322, MedGen C1861185, MONDO:0008555, OMIM 188000.
Inborn genetic diseases. Identifiers: MedGen C0950123, MeSH D030342.

Allele frequency attached by ClinVar (database versions not stated): gnomAD exomes 0.00001; ExAC 0.00002; gnomAD 0.00002 and 0.00003; TOPMed 0.00006.
gnomAD v4.1: 18 of 1,614,104 alleles (0.0011%); highest among the groups gnomAD compares: African/African-American, 0.013%; no homozygotes.

Submissions (3):

Labcorp Genetics (formerly Invitae), Labcorp
Classification: Uncertain significance. Last evaluated: 2025-01-08. Review status: criteria provided, single submitter. Criteria: Invitae Variant Classification Sherloc (09022015). Collection method: clinical testing. Allele origin: germline.
Comment: This sequence change replaces lysine, which is basic and polar, with glutamic acid, which is acidic and polar, at codon 620 of the ANKRD26 protein (p.Lys620Glu). This variant is present in population databases (rs112661579, gnomAD 0.003%). This variant has not been reported in the literature in individuals affected with ANKRD26-related conditions. ClinVar contains an entry for this variant (Variation ID: 1184721). An algorithm developed to predict the effect of missense changes on protein structure and function (PolyPhen-2) suggests that this variant is likely to be tolerated. In summary, the available evidence is currently insufficient to determine the role of this variant in disease. Therefore, it has been classified as a Variant of Uncertain Significance.

Ambry Genetics
Classification: Uncertain significance for Inborn genetic diseases. Last evaluated: 2024-11-25. Review status: criteria provided, single submitter. Criteria: Ambry Variant Classification Scheme 2023. Collection method: clinical testing. Allele origin: germline.
Comment: The p.K620E variant (also known as c.1858A>G), located in coding exon 18 of the ANKRD26 gene, results from an A to G substitution at nucleotide position 1858. The lysine at codon 620 is replaced by glutamic acid, an amino acid with similar properties. This amino acid position is conserved. In addition, this alteration is predicted to be tolerated by in silico analysis. Based on the available evidence, the clinical significance of this variant remains unclear.

St. Jude Molecular Pathology, St. Jude Children's Research Hospital
Classification: Uncertain significance for Thrombocytopenia 2. Last evaluated: 2021-07-08. Review status: criteria provided, single submitter. Criteria: St. Jude Assertion Criteria 2020. Collection method: clinical testing. Allele origin: germline.
Comment: The ANKRD26 c.1858A>G (p.Lys620Glu) missense change has a maximum subpopulation frequency of 0.0033% in gnomAD v2.1.1. This variant is not located in the 5â€™ UTR. Seven of seven in silico tools predict a benign effect of this variant on protein function (BP4), but these predictions have not been confirmed by functional studies. To our knowledge, this variant has not been reported in individuals with ANKRD26-related thrombocytopenia. In summary, this variant meets criteria to be classified as of uncertain significance based on the ACMG/AMP criteria: BP4.

NM_014915.3(ANKRD26):c.1858A>G (p.Lys620Glu)

Gene: ANKRD26 (ankyrin repeat domain 26; minus strand). Cytogenetic location: 10p12.1.
Variant type: single nucleotide variant.
Coding change: c.1858A>G on transcript NM_014915.3 (MANE Select); coding-DNA position 1858, A replaced by G.
Protein change: p.Lys620Glu; replaces lysine 620 with glutamic acid.
Molecular consequence: missense variant.
Genome position (GRCh38, 1-based): chr10:27,046,480, T>C on the plus strand (A>G on the coding strand, the complement: ANKRD26 is on the minus strand). VCF-style: chr10-27046480-T-C. GRCh37 (hg19) VCF-style: chr10-27335409-T-C.
Other names: c.1855A>G, p.Lys619Glu (NM_001256053.2); short protein forms K619E, K620E.
Identifiers: ClinVar variation 1184721 (VCV001184721.6), dbSNP rs112661579, ClinGen allele CA5448385.